The following is an entry in ClinVar:

ClinVar aggregate classification (germline): Uncertain significance (1 of 4 stars; one submission).

Submission:

Labcorp Genetics (formerly Invitae), Labcorp
Classification: Uncertain significance. Last evaluated: 2024-06-22. Review status: criteria provided, single submitter. Criteria: Invitae Variant Classification Sherloc (09022015). Collection method: clinical testing. Allele origin: germline.
Comment: This sequence change replaces threonine, which is neutral and polar, with serine, which is neutral and polar, at codon 932 of the ALPK3 protein (p.Thr932Ser). This variant is not present in population databases (gnomAD no frequency). This variant has not been reported in the literature in individuals affected with ALPK3-related conditions. Algorithms developed to predict the effect of missense changes on protein structure and function output the following: SIFT: "Not Available"; PolyPhen-2: "Benign"; Align-GVGD: "Not Available". The serine amino acid residue is found in multiple mammalian species, which suggests that this missense change does not adversely affect protein function. In summary, the available evidence is currently insufficient to determine the role of this variant in disease. Therefore, it has been classified as a Variant of Uncertain Significance.

NM_020778.5(ALPK3):c.2189C>G (p.Thr730Ser)

Gene: ALPK3 (alpha kinase 3; plus strand). Cytogenetic location: 15q25.3.
Variant type: single nucleotide variant.
Coding change: c.2189C>G on transcript NM_020778.5 (MANE Select); coding-DNA position 2189, C replaced by G.
Protein change: p.Thr730Ser; replaces threonine 730 with serine.
Molecular consequence: missense variant.
Genome position (GRCh38, 1-based): chr15:84,856,927, C>G. VCF-style: chr15-84856927-C-G. GRCh37 (hg19) VCF-style: chr15-85400158-C-G.
Other names: short protein forms T730S.
Identifiers: ClinVar variation 3619015 (VCV003619015.2).